The following is an entry in ClinVar:

ClinVar aggregate classification (germline): Uncertain significance (1 of 4 stars; one submission).

Conditions:
Cardiac anomalies - developmental delay - facial dysmorphism syndrome (MRFACD). Also called: MED13L Syndrome; Impaired intellectual development and distinctive facial features with or without cardiac defects. Identifiers: Orphanet 369891, MedGen C5192431, MONDO:0014773, OMIM 616789.

Submission:

Juno Genomics, Hangzhou Juno Genomics, Inc
Classification: Uncertain significance for Cardiac anomalies - developmental delay - facial dysmorphism syndrome. Review status: criteria provided, single submitter. Criteria: ACMG Guidelines, 2015. Collection method: clinical testing. Allele origin: germline. Affected: yes.
Comment: Absent from controls (or at extremely low frequency if recessive) in Genome Aggregation Database.;Protein length changes due to in-frame deletions/insertions in a non-repeat region or stop-loss variants.

NM_015335.5(MED13L):c.2004_2006dup (p.Leu669_Gln670insLeu)

Gene: MED13L (mediator complex subunit 13L; minus strand). Cytogenetic location: 12q24.21.
Variant type: Duplication.
Coding change: c.2004_2006dup on transcript NM_015335.5 (MANE Select); coding-DNA positions 2004 to 2006, 3 bases duplicated (ATT; older notation c.2004_2006dupATT).
Protein change: p.Leu669_Gln670insLeu.
Molecular consequence: inframe insertion.
Genome position (GRCh38, 1-based): chr12:116,008,407-116,008,409, AAT duplicated on the plus strand (ATT on the coding strand, the reverse complement: MED13L is on the minus strand). VCF-style (leftmost placement, unchanged base first): chr12-116008406-C-CAAT. GRCh37 (hg19) VCF-style: chr12-116446211-C-CAAT.
Identifiers: ClinVar variation 5019943 (VCV005019943.1).
Genomic context (GRCh38, chr12:116,008,406, plus strand): 5'-GAGGGAGCCCATGCCCTTCCGGTGGACGGGTGGGTGGTGCAGAGAGCTGTCTTACCTTTG[C>CAAT]AATGCAGTGCTCTCTGAGTTTACCTCCATTTTGGCATCACATCTCTCACCCTGGAGCTCT-3'